The following is an entry in ClinVar:

ClinVar aggregate classification (germline): Conflicting classifications of pathogenicity. Review status: criteria provided, conflicting classifications (1 of 4 stars). 4 submissions from 4 submitters: Uncertain significance (1); Likely benign (3). Last evaluated 2026-07-01.

Conditions:
SCN3A-related disorder. Also called: SCN3A-related condition.
Inborn genetic diseases. Identifiers: MedGen C0950123, MeSH D030342.

Allele frequency attached by ClinVar (database versions not stated): gnomAD 0.00010; gnomAD exomes 0.00012; TOPMed 0.00012; ExAC 0.00014.
gnomAD v4.1: 419 of 1,613,704 alleles (0.026%); highest among the groups gnomAD compares: Non-Finnish European, 0.032%; no homozygotes.

Submissions (4):

CeGaT Center for Human Genetics Tuebingen
Classification: Likely benign. Last evaluated: 2026-07-01. Review status: criteria provided, single submitter. Criteria: CeGaT Center For Human Genetics Tuebingen Variant Classification Criteria Version 2. Collection method: clinical testing. Allele origin: germline. Affected: yes. Observed: 2 variant alleles.
Comment: SCN3A: BP5

PreventionGenetics, part of Exact Sciences
Classification: Likely benign for SCN3A-related condition. Last evaluated: 2026-02-05. Review status: criteria provided, single submitter. Criteria: ACMG Guidelines, 2015. Collection method: clinical testing. Allele origin: germline.
Comment: This variant is classified as likely benign based on ACMG/AMP sequence variant interpretation guidelines (Richards et al. 2015 PMID: 25741868, with internal and published modifications).

Labcorp Genetics (formerly Invitae), Labcorp
Classification: Uncertain significance. Last evaluated: 2026-01-26. Review status: criteria provided, single submitter. Criteria: Invitae Variant Classification Sherloc (09022015). Collection method: clinical testing. Allele origin: germline.
Comment: This sequence change replaces arginine, which is basic and polar, with histidine, which is basic and polar, at codon 571 of the SCN3A protein (p.Arg571His). This variant is present in population databases (rs765013479, gnomAD 0.02%), and has an allele count higher than expected for a pathogenic variant. This variant has not been reported in the literature in individuals affected with SCN3A-related conditions. ClinVar contains an entry for this variant (Variation ID: 839462). Invitae Evidence Modeling of protein sequence and biophysical properties (such as structural, functional, and spatial information, amino acid conservation, physicochemical variation, residue mobility, and thermodynamic stability) has been performed for this missense variant. However, the output from this modeling did not meet the statistical confidence thresholds required to predict the impact of this variant on SCN3A protein function. In summary, the available evidence is currently insufficient to determine the role of this variant in disease. Therefore, it has been classified as a Variant of Uncertain Significance.

Ambry Genetics
Classification: Likely benign for Inborn genetic diseases. Last evaluated: 2021-12-20. Review status: criteria provided, single submitter. Criteria: Ambry Variant Classification Scheme 2023. Collection method: clinical testing. Allele origin: germline.

NM_006922.4(SCN3A):c.1712G>A (p.Arg571His)

Gene: SCN3A (sodium voltage-gated channel alpha subunit 3; minus strand). Cytogenetic location: 2q24.3.
Variant type: single nucleotide variant.
Coding change: c.1712G>A on transcript NM_006922.4 (MANE Select); coding-DNA position 1712, G replaced by A.
Protein change: p.Arg571His; replaces arginine 571 with histidine.
Molecular consequence: missense variant.
Genome position (GRCh38, 1-based): chr2:165,140,958, C>T on the plus strand (G>A on the coding strand, the complement: SCN3A is on the minus strand). VCF-style: chr2-165140958-C-T. GRCh37 (hg19) VCF-style: chr2-165997468-C-T.
Other names: c.1712G>A, p.Arg571His (NM_001081676.2, NM_001081677.2); short protein forms R571H.
Identifiers: ClinVar variation 839462 (VCV000839462.45), dbSNP rs765013479, ClinGen allele CA1939092.